The following is an entry in ClinVar:

NM_024652.6(LRRK1):c.5446G>A (p.Val1816Met)

Genes: LRRK1 (leucine rich repeat kinase 1; plus strand), LRRK1-AS1 (LRRK1 antisense RNA 1; minus strand). Cytogenetic location: 15q26.3.
Variant type: single nucleotide variant.
Coding change: c.5446G>A on transcript NM_024652.6 (MANE Select); coding-DNA position 5446, G replaced by A.
Protein change: p.Val1816Met; replaces valine 1816 with methionine.
Molecular consequence: missense variant.
Genome position (GRCh38, 1-based): chr15:101,065,883, G>A. VCF-style: chr15-101065883-G-A. GRCh37 (hg19) VCF-style: chr15-101606088-G-A.
Other names: c.5446G>A (NM_024652.3); short protein forms V1816M.
Identifiers: ClinVar variation 1411024 (VCV001411024.5), dbSNP rs377185660, ClinGen allele CA7762149.

ClinVar aggregate classification (germline): Uncertain significance. Review status: criteria provided, multiple submitters, no conflicts (2 of 4 stars). 2 submissions from 2 submitters: Uncertain significance (2). Last evaluated 2024-10-21.

Conditions:
Inborn genetic diseases. Identifiers: MedGen C0950123, MeSH D030342.

Allele frequency attached by ClinVar (database versions not stated): ESP Exome Variant Server 0.00008; gnomAD exomes 0.00008; gnomAD 0.00011 and 0.00013; TOPMed 0.00012; ExAC 0.00015; 1000 Genomes Project 0.00020; 1000 Genomes Project 30x 0.00031.
gnomAD v4.1: 140 of 1,614,166 alleles (0.0087%); highest among the groups gnomAD compares: East Asian, 0.013%; no homozygotes.

Submissions (2):

Labcorp Genetics (formerly Invitae), Labcorp
Classification: Uncertain significance. Last evaluated: 2024-10-21. Review status: criteria provided, single submitter. Criteria: Invitae Variant Classification Sherloc (09022015). Collection method: clinical testing. Allele origin: germline.
Comment: This sequence change replaces valine, which is neutral and non-polar, with methionine, which is neutral and non-polar, at codon 1816 of the LRRK1 protein (p.Val1816Met). This variant is present in population databases (rs377185660, gnomAD 0.02%). This variant has not been reported in the literature in individuals affected with LRRK1-related conditions. ClinVar contains an entry for this variant (Variation ID: 1411024). An algorithm developed to predict the effect of missense changes on protein structure and function outputs the following: PolyPhen-2: "Benign". The methionine amino acid residue is found in multiple mammalian species, which suggests that this missense change does not adversely affect protein function. In summary, the available evidence is currently insufficient to determine the role of this variant in disease. Therefore, it has been classified as a Variant of Uncertain Significance.

Ambry Genetics
Classification: Uncertain significance for Inborn genetic diseases. Last evaluated: 2024-01-22. Review status: criteria provided, single submitter. Criteria: Ambry Variant Classification Scheme 2023. Collection method: clinical testing. Allele origin: germline.